The following is an entry in ClinVar:

ClinVar aggregate classification (germline): Likely benign (0 of 4 stars; one submission).

Conditions:
SEMA3B-related disorder. Also called: SEMA3B-related condition.

gnomAD v4.1: 49 of 1,591,392 alleles (0.0031%); highest among the groups gnomAD compares: Non-Finnish European, 0.0041%; no homozygotes.

Submission:

PreventionGenetics, part of Exact Sciences
Classification: Likely benign for SEMA3B-related condition. Last evaluated: 2023-03-17. Review status: no assertion criteria provided. Collection method: clinical testing. Allele origin: germline.
Comment: This variant is classified as likely benign based on ACMG/AMP sequence variant interpretation guidelines (Richards et al. 2015 PMID: 25741868, with internal and published modifications).

NM_001290060.2(SEMA3B):c.2163G>C (p.Leu721=)

Gene: SEMA3B (semaphorin 3B; plus strand). Cytogenetic location: 3p21.31.
Variant type: single nucleotide variant.
Coding change: c.2163G>C on transcript NM_001290060.2 (MANE Select); coding-DNA position 2163, G replaced by C.
Protein change: p.Leu721=; no amino-acid change (leucine 721 retained).
Molecular consequence: synonymous variant. On other transcripts: non-coding transcript variant (1).
Genome position (GRCh38, 1-based): chr3:50,276,619, G>C. VCF-style: chr3-50276619-G-C. GRCh37 (hg19) VCF-style: chr3-50314050-G-C.
Other names: c.2160G>C, p.Leu720= (NM_001005914.3); c.2178G>C, p.Leu726= (NM_001290061.1); c.1134G>C, p.Leu378= (NM_001290062.2, NM_001290063.2); c.2163G>C, p.Leu721= (NM_004636.4).
Identifiers: ClinVar variation 3357771 (VCV003357771.1).
Genomic context (GRCh38, chr3:50,276,619, plus strand): 5'-TGGCAGCGCGAACTCCCTGCGCATGTGCCGCCCGCAGCCTGCGCTGCAGTCACTGCCCCT[G>C]GAGTCGCGGAGAAAGGGCCGTAACCGGAGGACCCACGCCCCTGAGCCTCGCGCTGAGCGG-3'
Protein context (NP_001276989.1, residues 711-731): RPQPALQSLP[Leu721=]ESRRKGRNRR